The following is an entry in ClinVar:

ClinVar aggregate classification (germline): Pathogenic/Likely pathogenic. Review status: criteria provided, multiple submitters, no conflicts (2 of 4 stars). 5 submissions from 5 submitters: Pathogenic (1); Likely pathogenic (4). Last evaluated 2025-11-30.

Conditions:
Citrullinemia. Identifiers: Orphanet 187, MedGen C0175683, MONDO:0015991.
Citrullinemia type I (CTNL1). Also called: argininosuccinate synthetase deficiency; ASS DEFICIENCY. Identifiers: Orphanet 247525, MedGen C4721769, MONDO:0008988, OMIM 215700.

Allele frequency attached by ClinVar (database versions not stated): gnomAD exomes 0.00001.
gnomAD v4.1: 5 of 1,613,056 alleles (0.00031%); highest among the groups gnomAD compares: Admixed American, 0.0083%; no homozygotes.

Submissions (5):

Natera, Inc.
Classification: Likely pathogenic for Citrullinemia type I. Last evaluated: 2025-11-30. Review status: criteria provided, single submitter. Criteria: Natera Variant Classification Schema (03/2026). Collection method: clinical testing. Allele origin: germline.
Comment: The c.689-2A>C variant in ASS1 is a canonical splice acceptor site variant predicted to affect pre-mRNA splicing, which may result in an abnormal transcript and altered protein product. This variant is expected to result in nonsense mediated decay, truncation, or a dysfunctional protein product. This variant is rare in the general population with a frequency below the threshold expected for the associated phenotype(s). Given the available evidence, this variant is classified as Likely Pathogenic.

Myriad Genetics, Inc.
Classification: Likely pathogenic for Citrullinemia type I. Last evaluated: 2025-05-27. Review status: criteria provided, single submitter. Criteria: Myriad Autosomal Dominant, Autosomal Recessive and X-Linked Classification Criteria (2023). Collection method: clinical testing. Allele origin: unknown.
Comment: NM_000050.4(ASS1):c.689-2A>C is a variant in a canonical splice site classified as likely pathogenic in the context of citrullinemia type 1. c.689-2A>C has not been observed in cases with relevant disease. Relevant functional assessments of this variant are not available in the literature. c.689-2A>C has been observed in referenced population frequency databases. In summary, NM_000050.4(ASS1):c.689-2A>C is a variant in a canonical splice site in a gene where loss of function is a known mechanism of disease and is predicted to disrupt protein function. Please note: this variant was assessed in the context of healthy population screening.

Labcorp Genetics (formerly Invitae), Labcorp
Classification: Likely pathogenic for Citrullinemia. Last evaluated: 2023-10-22. Review status: criteria provided, single submitter. Criteria: Invitae Variant Classification Sherloc (09022015). Collection method: clinical testing. Allele origin: germline.
Comment: This sequence change affects an acceptor splice site in intron 10 of the ASS1 gene. It is expected to disrupt RNA splicing. Variants that disrupt the donor or acceptor splice site typically lead to a loss of protein function (PMID: 16199547), and loss-of-function variants in ASS1 are known to be pathogenic (PMID: 18473344, 19006241). This variant is present in population databases (no rsID available, gnomAD 0.006%). This variant has not been reported in the literature in individuals affected with ASS1-related conditions. ClinVar contains an entry for this variant (Variation ID: 813460). Algorithms developed to predict the effect of sequence changes on RNA splicing suggest that this variant may disrupt the consensus splice site. In summary, the currently available evidence indicates that the variant is pathogenic, but additional data are needed to prove that conclusively. Therefore, this variant has been classified as Likely Pathogenic.

Women's Health and Genetics/Laboratory Corporation of America, LabCorp
Classification: Likely pathogenic for Citrullinemia. Last evaluated: 2022-12-27. Review status: criteria provided, single submitter. Criteria: LabCorp Variant Classification Summary - May 2015. Collection method: clinical testing. Allele origin: germline.
Comment: Variant summary: ASS1 c.689-2A>C is located in a canonical splice-site and is predicted to affect mRNA splicing resulting in a significantly altered protein due to either exon skipping, shortening, or inclusion of intronic material. Several computational tools predict a significant impact on normal splicing: Four predict the variant abolishes a 3 acceptor site. However, these predictions have yet to be confirmed by functional studies. The variant allele was found at a frequency of 8e-06 in 251336 control chromosomes. To our knowledge, no occurrence of c.689-2A>C in individuals affected with Citrullinemia Type I and no experimental evidence demonstrating its impact on protein function have been reported. No clinical diagnostic laboratories have submitted clinical-significance assessments for this variant to ClinVar after 2014. Based on the evidence outlined above, the variant was classified as likely pathogenic.

Baylor Genetics
Classification: Pathogenic for Citrullinemia type I. Review status: criteria provided, single submitter. Criteria: ACMG Guidelines, 2015. Collection method: clinical testing. Allele origin: germline.

Literature cited by the submitters: PubMed 16199547 (cited by Labcorp Genetics (formerly Invitae), Labcorp); PubMed 18473344 (cited by Labcorp Genetics (formerly Invitae), Labcorp); PubMed 19006241 (cited by Labcorp Genetics (formerly Invitae), Labcorp).

NM_054012.4(ASS1):c.689-2A>C

Gene: ASS1 (argininosuccinate synthase 1; plus strand). Cytogenetic location: 9q34.11.
Variant type: single nucleotide variant.
Coding change: c.689-2A>C on transcript NM_054012.4 (MANE Select); the canonical splice acceptor site of the intron before coding-DNA position 689, A replaced by C.
Molecular consequence: splice acceptor variant.
Genome position (GRCh38, 1-based): chr9:130,479,714, A>C. VCF-style: chr9-130479714-A-C. GRCh37 (hg19) VCF-style: chr9-133355101-A-C.
Other names: c.689-2A>C (NM_000050.4).
Identifiers: ClinVar variation 813460 (VCV000813460.9), dbSNP rs374586230, ClinGen allele CA375229014.